The following is an entry in ClinVar:

ClinVar aggregate classification (germline): Uncertain significance. Review status: criteria provided, multiple submitters, no conflicts (2 of 4 stars). 2 submissions from 2 submitters: Uncertain significance (2). Last evaluated 2023-08-18.

Conditions:
Long QT syndrome (LQTS). Identifiers: MedGen C0023976, MeSH D008133, MONDO:0002442. Disease mechanism: loss of function. Inheritance: Various modes of inheritance.

Submissions (2):

Labcorp Genetics (formerly Invitae), Labcorp
Classification: Uncertain significance for Long QT syndrome. Last evaluated: 2023-08-18. Review status: criteria provided, single submitter. Criteria: Invitae Variant Classification Sherloc (09022015). Collection method: clinical testing. Allele origin: germline.
Comment: In summary, the available evidence is currently insufficient to determine the role of this variant in disease. Therefore, it has been classified as a Variant of Uncertain Significance. Advanced modeling of protein sequence and biophysical properties (such as structural, functional, and spatial information, amino acid conservation, physicochemical variation, residue mobility, and thermodynamic stability) performed at Invitae indicates that this missense variant is not expected to disrupt ANK2 protein function. ClinVar contains an entry for this variant (Variation ID: 385822). This variant has not been reported in the literature in individuals affected with ANK2-related conditions. This variant is not present in population databases (gnomAD no frequency). This sequence change replaces proline, which is neutral and non-polar, with leucine, which is neutral and non-polar, at codon 3709 of the ANK2 protein (p.Pro3709Leu).

GeneDx
Classification: Uncertain significance. Last evaluated: 2016-04-29. Review status: criteria provided, single submitter. Criteria: GeneDx Variant Classification (06012015). Collection method: clinical testing. Allele origin: germline. Affected: yes.
Comment: A novel variant of uncertain significance has been identified in the ANK2 gene. The P3709L variant has not been published as a pathogenic variant, nor has it been reported as a benign variant to our knowledge. It was not observed in approximately 6,500 individuals of European and African American ancestry in the NHLBI Exome Sequencing Project, indicating it is not a common benign variant in these populations. The P3709L variant is a semi-conservative amino acid substitution, which may impact secondary protein structure as these residues differ in some properties. Additionally, this substitution occurs at a position that is conserved across species. Finally, in silico analysis is inconsistent in its predictions as to whether or not the variant is damaging to the protein structure/function.Therefore, based on the currently available information, it is unclear whether this variant is pathogenic or rare benign.

NM_001148.6(ANK2):c.11126C>T (p.Pro3709Leu)

Gene: ANK2 (ankyrin 2; plus strand). Cytogenetic location: 4q26.
Variant type: single nucleotide variant.
Coding change: c.11126C>T on transcript NM_001148.6 (MANE Select); coding-DNA position 11126, C replaced by T.
Protein change: p.Pro3709Leu; replaces proline 3709 with leucine.
Molecular consequence: missense variant.
Genome position (GRCh38, 1-based): chr4:113,367,659, C>T. VCF-style: chr4-113367659-C-T. GRCh37 (hg19) VCF-style: chr4-114288815-C-T.
Other names: c.4844C>T, p.Pro1615Leu (NM_001127493.3); c.4883C>T, p.Pro1628Leu (NM_001354225.2); c.4772C>T, p.Pro1591Leu (NM_001354228.2, NM_001354258.2); c.4850C>T, p.Pro1617Leu (NM_001354230.2); c.4913C>T, p.Pro1638Leu (NM_001354231.2, NM_001354242.2); c.4907C>T, p.Pro1636Leu (NM_001354232.2); c.4868C>T, p.Pro1623Leu (NM_001354235.2, NM_001354246.2, NM_001354265.2); c.4769C>T, p.Pro1590Leu (NM_001354236.2); and 35 more; short protein forms P1615L, P3709L, P1549L, P1614L, P1496L, P1553L, P1562L, P1581L.
Identifiers: ClinVar variation 385822 (VCV000385822.5), dbSNP rs1057522339, ClinGen allele CA16604568.